The following is an entry in ClinVar:

ClinVar aggregate classification (germline): Uncertain significance (1 of 4 stars; one submission).

Allele frequency attached by ClinVar (database versions not stated): gnomAD exomes below 0.00001.

Submission:

Labcorp Genetics (formerly Invitae), Labcorp
Classification: Uncertain significance. Last evaluated: 2023-05-23. Review status: criteria provided, single submitter. Criteria: Invitae Variant Classification Sherloc (09022015). Collection method: clinical testing. Allele origin: germline.
Comment: This variant has not been reported in the literature in individuals affected with ERCC6L2-related conditions. Experimental studies and prediction algorithms are not available or were not evaluated, and the functional significance of this variant is currently unknown. In summary, the available evidence is currently insufficient to determine the role of this variant in disease. Therefore, it has been classified as a Variant of Uncertain Significance. This sequence change replaces aspartic acid, which is acidic and polar, with histidine, which is basic and polar, at codon 121 of the ERCC6L2 protein (p.Asp121His). This variant is present in population databases (no rsID available, gnomAD 0.0009%).

NM_020207.7(ERCC6L2):c.328G>C (p.Asp110His)

Gene: ERCC6L2 (ERCC excision repair 6 like 2; plus strand). Cytogenetic location: 9q22.32.
Variant type: single nucleotide variant.
Coding change: c.328G>C on transcript NM_020207.7 (MANE Select); coding-DNA position 328, G replaced by C.
Protein change: p.Asp110His; replaces aspartic acid 110 with histidine.
Molecular consequence: missense variant. On other transcripts: non-coding transcript variant (1).
Genome position (GRCh38, 1-based): chr9:95,881,150, G>C. VCF-style: chr9-95881150-G-C. GRCh37 (hg19) VCF-style: chr9-98643432-G-C.
Other names: c.328G>C, p.Asp110His (NM_001010895.4, NM_001375291.1, NM_001375292.1 and 2 more transcripts); short protein forms D110H.
Identifiers: ClinVar variation 2718243 (VCV002718243.3), dbSNP rs1196634375, ClinGen allele CA374117542.
Genomic context (GRCh38, chr9:95,881,150, plus strand): 5'-GAAAAACCTTATTTCCCAAACCGAAAATTTCCATCATCTTCTGTTGCTTTTAAATTATCT[G>C]ACAATGGAGACTCTATTCCTTATACCATCAATAGGTATTTGAGAGACTACCAAAGAGAAG-3'
Protein context (NP_064592.3, residues 100-120): PSSSVAFKLS[Asp110His]NGDSIPYTIN